The following is an entry in ClinVar:

ClinVar aggregate classification (germline): Conflicting classifications of pathogenicity. Review status: criteria provided, conflicting classifications (1 of 4 stars). 7 submissions from 7 submitters: Uncertain significance (3); Likely benign (4). Last evaluated 2026-01-26.

Conditions:
Primary ciliary dyskinesia 16. Also called: CILIARY DYSKINESIA, PRIMARY, 16, WITH OR WITHOUT SITUS INVERSUS. Identifiers: Orphanet 244, MedGen C3151460, MONDO:0013525, OMIM 614017.

Allele frequency attached by ClinVar (database versions not stated): ExAC 0.00139; gnomAD exomes 0.00170; gnomAD 0.00191 and 0.00193; TOPMed 0.00225; ESP Exome Variant Server 0.00272; 1000 Genomes Project 0.00300; 1000 Genomes Project 30x 0.00344.
gnomAD v4.1: 4,172 of 1,553,030 alleles (0.27%); highest among the groups gnomAD compares: Admixed American, 0.44%; 9 homozygotes.

Submissions (7):

Labcorp Genetics (formerly Invitae), Labcorp
Classification: Likely benign for Primary ciliary dyskinesia 16. Last evaluated: 2026-01-26. Review status: criteria provided, single submitter. Criteria: Invitae Variant Classification Sherloc (09022015). Collection method: clinical testing. Allele origin: germline.

Blueprint Genetics
Classification: Likely benign. Last evaluated: 2024-11-25. Review status: criteria provided, single submitter. Criteria: ACMG Guidelines, 2015. Collection method: clinical testing. Allele origin: germline.

ARUP Laboratories, Molecular Genetics and Genomics, ARUP Laboratories
Classification: Uncertain significance for Primary ciliary dyskinesia 16. Last evaluated: 2023-10-06. Review status: criteria provided, single submitter. Criteria: ARUP Molecular Germline Variant Investigation Process 2024. Collection method: clinical testing. Allele origin: germline.
Comment: The DNAL1 c.415C>G; p.Leu139Val variant (rs141873943; ClinVar Variation ID: 178765) has been observed in a cohort of patients referred for Bronchiectasis, but no additional evidence of causality was provided (Olm 2019). This variant is found in the Latino population with an allele frequency of 0.34% (88/25652 alleles) in the Genome Aggregation Database. The leucine at codon 139 is highly conserved, but computational analyses are uncertain whether this variant is neutral or deleterious (REVEL: 0.241). Due to limited information, the clinical significance of the p.Leu139Val variant is uncertain at this time. References: Olm MAK et al. Severe pulmonary disease in an adult primary ciliary dyskinesia population in Brazil. Sci Rep. 2019 Jun 18;9(1):8693. PMID: 31213628

Mayo Clinic Laboratories, Mayo Clinic
Classification: Uncertain significance. Last evaluated: 2023-07-18. Review status: criteria provided, single submitter. Criteria: ACMG Guidelines, 2015. Collection method: clinical testing. Allele origin: germline. Observed: 1 variant allele.
Comment: BP4

Eurofins Ntd Llc (ga)
Classification: Uncertain significance. Last evaluated: 2014-09-05. Review status: criteria provided, single submitter. Criteria: EGL Classification Definitions 2015. Collection method: clinical testing. Allele origin: germline. Observed: 1 variant allele, 1 heterozygote.

Laboratory for Molecular Medicine, Mass General Brigham Personalized Medicine
Classification: Likely benign. Last evaluated: 2013-02-21. Review status: criteria provided, single submitter. Criteria: LMM Criteria. Collection method: clinical testing. Allele origin: germline. Observed: 1 variant allele.
Comment: Leu100Val in exon 8 of DNAL1: This variant is not expected to have clinical sign ificance because it has been identified in 0.4% (30/8054) of European American c hromosomes from a broad population by the NHLBI Exome Sequencing Project (dbSNP rs141873943).

PreventionGenetics, part of Exact Sciences
Classification: Likely benign. Review status: criteria provided, single submitter. Criteria: ACMG Guidelines, 2015. Collection method: clinical testing. Allele origin: germline.

Literature cited by the submitters: PubMed 31213628 (cited by Mayo Clinic Laboratories, Mayo Clinic).

NM_031427.4(DNAL1):c.415C>G (p.Leu139Val)

Gene: DNAL1 (dynein axonemal light chain 1; plus strand). Cytogenetic location: 14q24.3.
Variant type: single nucleotide variant.
Coding change: c.415C>G on transcript NM_031427.4 (MANE Select); coding-DNA position 415, C replaced by G.
Protein change: p.Leu139Val; replaces leucine 139 with valine.
Molecular consequence: missense variant.
Genome position (GRCh38, 1-based): chr14:73,689,398, C>G. VCF-style: chr14-73689398-C-G. GRCh37 (hg19) VCF-style: chr14-74156101-C-G.
Other names: p.Leu139Val; c.298C>G, p.Leu100Val (NM_001201366.2); short protein forms L100V, L139V.
Identifiers: ClinVar variation 178765 (VCV000178765.25), dbSNP rs141873943, ClinGen allele CA182963.